The following is an entry in ClinVar:

NM_198253.3(TERT):c.1714A>T (p.Arg572Trp)

Gene: TERT (telomerase reverse transcriptase; minus strand). Cytogenetic location: 5p15.33.
Variant type: single nucleotide variant.
Coding change: c.1714A>T on transcript NM_198253.3 (MANE Select); coding-DNA position 1714, A replaced by T.
Protein change: p.Arg572Trp; replaces arginine 572 with tryptophan.
Molecular consequence: missense variant. On other transcripts: non-coding transcript variant (2).
Genome position (GRCh38, 1-based): chr5:1,282,484, T>A on the plus strand (A>T on the coding strand, the complement: TERT is on the minus strand). VCF-style: chr5-1282484-T-A. GRCh37 (hg19) VCF-style: chr5-1282599-T-A.
Other names: c.1714A>T, p.Arg572Trp (NM_001193376.3); short protein forms R572W.
Identifiers: ClinVar variation 3967382 (VCV003967382.1).

ClinVar aggregate classification (germline): Uncertain significance (1 of 4 stars; one submission).

Conditions:
Dyskeratosis congenita. Identifiers: Orphanet 1775, MedGen C0265965, MONDO:0015780.

Submission:

Ambry Genetics
Classification: Uncertain significance for Dyskeratosis congenita. Last evaluated: 2025-05-31. Review status: criteria provided, single submitter. Criteria: Ambry Variant Classification Scheme 2023. Collection method: clinical testing. Allele origin: germline.
Comment: The p.R572W variant (also known as c.1714A>T), located in coding exon 3 of the TERT gene, results from an A to T substitution at nucleotide position 1714. The arginine at codon 572 is replaced by tryptophan, an amino acid with dissimilar properties. This amino acid position is conserved. In addition, the in silico prediction for this alteration is inconclusive. Based on the available evidence, the clinical significance of this variant remains unclear.